The following is an entry in ClinVar:

NM_000271.5(NPC1):c.1581T>A (p.Ser527Arg)

Gene: NPC1 (NPC intracellular cholesterol transporter 1; minus strand). Cytogenetic location: 18q11.2.
Variant type: single nucleotide variant.
Coding change: c.1581T>A on transcript NM_000271.5 (MANE Select); coding-DNA position 1581, T replaced by A.
Protein change: p.Ser527Arg; replaces serine 527 with arginine.
Molecular consequence: missense variant.
Genome position (GRCh38, 1-based): chr18:23,551,700, A>T on the plus strand (T>A on the coding strand, the complement: NPC1 is on the minus strand). VCF-style: chr18-23551700-A-T. GRCh37 (hg19) VCF-style: chr18-21131664-A-T.
Other names: short protein forms S527R.
Identifiers: ClinVar variation 1499570 (VCV001499570.3), dbSNP rs769935106, ClinGen allele CA8913420.
Genomic context (GRCh38, chr18:23,551,700, plus strand): 5'-CAACACAAGCCACGGGAACACTGGTCCACCAAACGTACCCAGACAAGGGTCATGGAGCAA[A>T]CTTGTATCATTCAGAGAGGCAGGAGCCCTGCCAAAAAGTTTAGAAAACACCTCCCAGTTA-3'
Protein context (NP_000262.2, residues 517-537): VRAPASLNDT[Ser527Arg]LLHDPCLGTF

ClinVar aggregate classification (germline): Uncertain significance (1 of 4 stars; one submission).

Conditions:
Niemann-Pick disease, type C1. Also called: NIEMANN-PICK DISEASE, VARIANT TYPE C1; NEUROVISCERAL STORAGE DISEASE WITH VERTICAL SUPRANUCLEAR OPHTHALMOPLEGIA; NIEMANN-PICK DISEASE WITH CHOLESTEROL ESTERIFICATION BLOCK; NIEMANN-PICK DISEASE WITHOUT SPHINGOMYELINASE DEFICIENCY; NIEMANN-PICK DISEASE, CHRONIC NEURONOPATHIC FORM. Identifiers: Orphanet 646, MedGen C3179455, MONDO:0009757, OMIM 257220.

Allele frequency attached by ClinVar (database versions not stated): TOPMed below 0.00001; gnomAD 0.00001; gnomAD exomes 0.00002 and 0.00004; ExAC 0.00005.
gnomAD v4.1: 27 of 1,614,078 alleles (0.0017%); highest among the groups gnomAD compares: South Asian, 0.03%; no homozygotes.

Submission:

Labcorp Genetics (formerly Invitae), Labcorp
Classification: Uncertain significance for Niemann-Pick disease, type C1. Last evaluated: 2022-01-17. Review status: criteria provided, single submitter. Criteria: Invitae Variant Classification Sherloc (09022015). Collection method: clinical testing. Allele origin: germline.
Comment: This sequence change replaces serine, which is neutral and polar, with arginine, which is basic and polar, at codon 527 of the NPC1 protein (p.Ser527Arg). This variant is present in population databases (rs769935106, gnomAD 0.03%). This variant has not been reported in the literature in individuals affected with NPC1-related conditions. Algorithms developed to predict the effect of missense changes on protein structure and function are either unavailable or do not agree on the potential impact of this missense change (SIFT: "Deleterious"; PolyPhen-2: "Possibly Damaging"; Align-GVGD: "Class C0"). In summary, the available evidence is currently insufficient to determine the role of this variant in disease. Therefore, it has been classified as a Variant of Uncertain Significance.